The following is an entry in ClinVar:

ClinVar aggregate classification (germline): Uncertain significance. Review status: criteria provided, multiple submitters, no conflicts (2 of 4 stars). 2 submissions from 2 submitters: Uncertain significance (2). Last evaluated 2025-07-02.

Allele frequency attached by ClinVar (database versions not stated): gnomAD exomes below 0.00001; TOPMed 0.00001.
gnomAD v4.1: 2 of 1,613,646 alleles (0.00012%); highest among the groups gnomAD compares: Admixed American, 0.0033%; no homozygotes.

Submissions (2):

GeneDx
Classification: Uncertain significance. Last evaluated: 2025-07-02. Review status: criteria provided, single submitter. Criteria: GeneDx Variant Classification Process June 2021. Collection method: clinical testing. Allele origin: germline. Affected: yes.
Comment: Not observed at significant frequency in large population cohorts (gnomAD); In silico analysis suggests that this missense variant does not alter protein structure/function; Has not been previously published as pathogenic or benign to our knowledge

Labcorp Genetics (formerly Invitae), Labcorp
Classification: Uncertain significance. Last evaluated: 2021-12-08. Review status: criteria provided, single submitter. Criteria: Invitae Variant Classification Sherloc (09022015). Collection method: clinical testing. Allele origin: germline.
Comment: This sequence change replaces isoleucine, which is neutral and non-polar, with valine, which is neutral and non-polar, at codon 766 of the ADGRV1 protein (p.Ile766Val). This variant is present in population databases (no rsID available, gnomAD 0.003%). This variant has not been reported in the literature in individuals affected with ADGRV1-related conditions. Algorithms developed to predict the effect of missense changes on protein structure and function are either unavailable or do not agree on the potential impact of this missense change (SIFT: "Deleterious"; PolyPhen-2: "Benign"; Align-GVGD: "Class C0"). In summary, the available evidence is currently insufficient to determine the role of this variant in disease. Therefore, it has been classified as a Variant of Uncertain Significance.

NM_032119.4(ADGRV1):c.2296A>G (p.Ile766Val)

Gene: ADGRV1 (adhesion G protein-coupled receptor V1; plus strand). Cytogenetic location: 5q14.3.
Variant type: single nucleotide variant.
Coding change: c.2296A>G on transcript NM_032119.4 (MANE Select); coding-DNA position 2296, A replaced by G.
Protein change: p.Ile766Val; replaces isoleucine 766 with valine.
Molecular consequence: missense variant. On other transcripts: non-coding transcript variant (1).
Genome position (GRCh38, 1-based): chr5:90,642,691, A>G. VCF-style: chr5-90642691-A-G. GRCh37 (hg19) VCF-style: chr5-89938508-A-G.
Other names: c.2296A>G (NM_032119.3); short protein forms I766V.
Identifiers: ClinVar variation 1924896 (VCV001924896.3), dbSNP rs1367318975, ClinGen allele CA360387352.